The following is an entry in ClinVar:

ClinVar aggregate classification (germline): Uncertain significance (1 of 4 stars; one submission).

Submission:

Labcorp Genetics (formerly Invitae), Labcorp
Classification: Uncertain significance. Last evaluated: 2025-03-01. Review status: criteria provided, single submitter. Criteria: Invitae Variant Classification Sherloc (09022015). Collection method: clinical testing. Allele origin: germline.
Comment: This sequence change replaces serine, which is neutral and polar, with asparagine, which is neutral and polar, at codon 1004 of the STAG2 protein (p.Ser1004Asn). This variant is not present in population databases (gnomAD no frequency). This variant has not been reported in the literature in individuals affected with STAG2-related conditions. ClinVar contains an entry for this variant (Variation ID: 1427302). Invitae Evidence Modeling of protein sequence and biophysical properties (such as structural, functional, and spatial information, amino acid conservation, physicochemical variation, residue mobility, and thermodynamic stability) indicates that this missense variant is not expected to disrupt STAG2 protein function with a negative predictive value of 80%. In summary, the available evidence is currently insufficient to determine the role of this variant in disease. Therefore, it has been classified as a Variant of Uncertain Significance.

NM_001042750.2(STAG2):c.3011G>A (p.Ser1004Asn)

Gene: STAG2 (STAG2 cohesin complex component; plus strand). Cytogenetic location: Xq25.
Variant type: single nucleotide variant.
Coding change: c.3011G>A on transcript NM_001042750.2 (MANE Select); coding-DNA position 3011, G replaced by A.
Protein change: p.Ser1004Asn; replaces serine 1004 with asparagine.
Molecular consequence: missense variant.
Genome position (GRCh38, 1-based): chrX:124,083,507, G>A. VCF-style: chrX-124083507-G-A. GRCh37 (hg19) VCF-style: chrX-123217357-G-A.
Other names: c.3011G>A, p.Ser1004Asn (NM_001042749.2, NM_001042751.2, NM_001282418.2 and 13 more transcripts); short protein forms S1004N.
Identifiers: ClinVar variation 1427302 (VCV001427302.6), dbSNP rs2059015832, ClinGen allele CA414280592.